The following is an entry in ClinVar:

NM_000548.5(TSC2):c.1444-8C>T

Gene: TSC2 (TSC complex subunit 2; plus strand). Cytogenetic location: 16p13.3.
Variant type: single nucleotide variant.
Coding change: c.1444-8C>T on transcript NM_000548.5 (MANE Select); 8 bases into the intron before coding-DNA position 1444, C replaced by T.
Molecular consequence: intron variant.
Genome position (GRCh38, 1-based): chr16:2,064,264, C>T. VCF-style: chr16-2064264-C-T. GRCh37 (hg19) VCF-style: chr16-2114265-C-T.
Other names: c.1444-8C>T (NM_021055.3, NM_001370405.1, NM_001363528.2 and 3 more transcripts); c.1333-8C>T (NM_001318827.2); c.844-8C>T (NM_001318831.2); c.1297-8C>T (NM_001318829.2); c.1477-8C>T (NM_001318832.2).
Identifiers: ClinVar variation 738623 (VCV000738623.12), dbSNP rs749236601, ClinGen allele CA030534.

ClinVar aggregate classification (germline): Likely benign. Review status: criteria provided, multiple submitters, no conflicts (2 of 4 stars). 3 submissions from 3 submitters: Likely benign (3). Last evaluated 2025-11-10.

Conditions:
Tuberous sclerosis syndrome (TSC). Also called: Tuberous Sclerosis Complex; Tuberous sclerosis. Identifiers: Orphanet 805, MedGen C0041341, MONDO:0001734.
Tuberous sclerosis 2 (TSC2). Identifiers: Orphanet 805, MedGen C1860707, MONDO:0013199, OMIM 613254.

Allele frequency attached by ClinVar (database versions not stated): gnomAD exomes below 0.00001 and 0.00001; ExAC 0.00001.
gnomAD v4.1: 3 of 1,613,910 alleles (0.00019%); highest among the groups gnomAD compares: Non-Finnish European, 0.00025%; no homozygotes.

Submissions (3):

Labcorp Genetics (formerly Invitae), Labcorp
Classification: Likely benign for Tuberous sclerosis 2. Last evaluated: 2025-11-10. Review status: criteria provided, single submitter. Criteria: Invitae Variant Classification Sherloc (09022015). Collection method: clinical testing. Allele origin: germline.

Color Diagnostics, LLC DBA Color Health
Classification: Likely benign for Tuberous sclerosis syndrome. Last evaluated: 2025-06-23. Review status: criteria provided, single submitter. Criteria: ACMG Guidelines, 2015. Collection method: clinical testing. Allele origin: germline.

Myriad Genetics, Inc.
Classification: Likely benign for Tuberous sclerosis 2. Last evaluated: 2025-05-14. Review status: criteria provided, single submitter. Criteria: Myriad Autosomal Dominant, Autosomal Recessive and X-Linked Classification Criteria (2023). Collection method: clinical testing. Allele origin: unknown.
Comment: This variant is considered likely benign. This variant is intronic and is not expected to impact mRNA splicing.